The following is an entry in ClinVar:

ClinVar aggregate classification (germline): Uncertain significance (1 of 4 stars; one submission).

Submission:

Labcorp Genetics (formerly Invitae), Labcorp
Classification: Uncertain significance. Last evaluated: 2022-05-20. Review status: criteria provided, single submitter. Criteria: Invitae Variant Classification Sherloc (09022015). Collection method: clinical testing. Allele origin: germline.
Comment: A copy number gain of the genomic region encompassing the full coding sequence of the CACNA2D4 gene has been identified. The boundaries of this event are unknown as they extend beyond the assayed region for this gene and therefore may encompass additional genes. As the precise location of this event is unknown, it may be in tandem or it may be located elsewhere in the genome. This variant has not been reported in the literature in individuals affected with CACNA2D4-related conditions. In summary, the available evidence is currently insufficient to determine the role of this variant in disease. Therefore, it has been classified as a Variant of Uncertain Significance.

NC_000012.11:g.(?_862732)_(2800365_?)dup

Genes: ADIPOR2 (adiponectin receptor 2; plus strand), CACNA1C (calcium voltage-gated channel subunit alpha1 C; plus strand), CACNA2D4 (calcium voltage-gated channel auxiliary subunit alpha2delta 4; minus strand), DCP1B (decapping mRNA 1B; minus strand), ERC1 (ELKS/RAB6-interacting/CAST family member 1; plus strand) and 5 more. Cytogenetic location: 12p13.33.
Variant type: Duplication.
Identifiers: ClinVar variation 2427496 (VCV002427496.4).